The following is an entry in ClinVar:

ClinVar aggregate classification (germline): Uncertain significance. Review status: criteria provided, multiple submitters, no conflicts (2 of 4 stars). 2 submissions from 2 submitters: Uncertain significance (2). Last evaluated 2019-08-07.

Conditions:
Pyruvate dehydrogenase E3 deficiency (DLDD). Also called: Dihydrolipoamide Dehydrogenase E3 Deficiency; Lipoamide dehydrogenase deficiency, lactic acidosis due to; Dihydrolipoamide Dehydrogenase Deficiency; Lipoamide dehydrogenase deficiency; Dihydrolipoamide Dehydrogenase (E3) Deficiency; MAPLE SYRUP URINE DISEASE, TYPE III. Identifiers: Orphanet 2394, Orphanet 765, MedGen C5574660, MONDO:0009529, OMIM 246900.

Allele frequency attached by ClinVar (database versions not stated): gnomAD exomes 0.00001 and 0.00002; ExAC 0.00002; gnomAD 0.00002 and 0.00003; TOPMed 0.00002; ESP Exome Variant Server 0.00015.
gnomAD v4.1: 29 of 1,613,818 alleles (0.0018%); highest among the groups gnomAD compares: Non-Finnish European, 0.0024%; no homozygotes.

Submissions (2):

Baylor Genetics
Classification: Uncertain significance for Pyruvate dehydrogenase E3 deficiency. Last evaluated: 2019-08-07. Review status: criteria provided, single submitter. Criteria: ACMG Guidelines, 2015. Collection method: clinical testing. Allele origin: unknown. Affected: yes.
Comment: This variant was determined to be of uncertain significance according to ACMG Guidelines, 2015 [PMID:25741868].

Breakthrough Genomics
Classification: Uncertain significance. Review status: criteria provided, single submitter. Criteria: ACMG Guidelines, 2015. Collection method: not provided. Allele origin: germline. Inheritance: Autosomal recessive inheritance. Affected: yes.

NM_000108.5(DLD):c.1439T>C (p.Ile480Thr)

Gene: DLD (dihydrolipoamide dehydrogenase; plus strand). Cytogenetic location: 7q31.1.
Variant type: single nucleotide variant.
Coding change: c.1439T>C on transcript NM_000108.5 (MANE Select); coding-DNA position 1439, T replaced by C.
Protein change: p.Ile480Thr; replaces isoleucine 480 with threonine.
Molecular consequence: missense variant.
Genome position (GRCh38, 1-based): chr7:107,919,074, T>C. VCF-style: chr7-107919074-T-C. GRCh37 (hg19) VCF-style: chr7-107559519-T-C.
Other names: c.1142T>C, p.Ile381Thr (NM_001289750.1); c.1370T>C, p.Ile457Thr (NM_001289751.1); c.1295T>C, p.Ile432Thr (NM_001289752.1); short protein forms I457T, I381T, I432T, I480T.
Identifiers: ClinVar variation 1030599 (VCV001030599.2), dbSNP rs140260331, ClinGen allele CA4434708.